The following is an entry in ClinVar:

ClinVar aggregate classification (germline): Pathogenic (1 of 4 stars; one submission).

Conditions:
Hereditary cancer-predisposing syndrome. Also called: Tumor predisposition; Hereditary neoplastic syndrome; Neoplastic Syndromes, Hereditary; Hereditary Cancer Syndrome. Identifiers: Orphanet 140162, MedGen C0027672, MeSH D009386, MONDO:0015356.

Submission:

Ambry Genetics
Classification: Pathogenic for Hereditary cancer-predisposing syndrome. Last evaluated: 2019-10-17. Review status: criteria provided, single submitter. Criteria: Ambry Variant Classification Scheme 2023. Collection method: clinical testing. Allele origin: germline.
Comment: The c.1187_1197del11insTTG pathogenic mutation, located in coding exon 4 of the BARD1 gene, results from the deletion of 11 nucleotides and insertion of 3 nucleotides causing a translational frameshift with a predicted alternate stop codon (p.P396Lfs*3). This alteration is expected to result in loss of function by premature protein truncation or nonsense-mediated mRNA decay. As such, this alteration is interpreted as a disease-causing mutation.

NM_000465.4(BARD1):c.1187_1197delinsTTG (p.Pro396fs)

Gene: BARD1 (BRCA1 associated RING domain 1; minus strand). Cytogenetic location: 2q35.
Variant type: Indel.
Coding change: c.1187_1197delinsTTG on transcript NM_000465.4 (MANE Select); coding-DNA positions 1187 to 1197, CTTCTACATTA replaced by TTG.
Protein change: p.Pro396fs; shifts the reading frame from proline 396.
Molecular consequence: frameshift variant. On other transcripts: non-coding transcript variant (2), intron variant (3).
Genome position (GRCh38, 1-based): chr2:214,780,677-214,780,687, TAATGTAGAAG replaced by CAA on the plus strand (CTTCTACATTA replaced by TTG on the coding strand, the reverse complement: BARD1 is on the minus strand). VCF-style: chr2-214780677-TAATGTAGAAG-CAA. GRCh37 (hg19) VCF-style: chr2-215645401-TAATGTAGAAG-CAA.
Other names: c.1130_1140delinsTTG, p.Pro377fs (NM_001282543.2); c.159-28132_159-28122delinsTTG (NM_001282548.2); c.215+16374_215+16384delinsTTG (NM_001282545.2); c.364+11610_364+11620delinsTTG (NM_001282549.2); short protein forms P377fs, P396fs.
Identifiers: ClinVar variation 818534 (VCV000818534.4), dbSNP rs1574816645, ClinGen allele CA915941686.